The following is an entry in ClinVar:

NM_005883.3(APC2):c.5839G>A (p.Ala1947Thr)

Genes: APC2 (APC regulator of Wnt signaling pathway 2; plus strand), LOC130062956 (ATAC-STARR-seq lymphoblastoid silent region 9718; plus strand). Cytogenetic location: 19p13.3.
Variant type: single nucleotide variant.
Coding change: c.5839G>A on transcript NM_005883.3 (MANE Select); coding-DNA position 5839, G replaced by A.
Protein change: p.Ala1947Thr; replaces alanine 1947 with threonine.
Molecular consequence: missense variant.
Genome position (GRCh38, 1-based): chr19:1,469,140, G>A. VCF-style: chr19-1469140-G-A. GRCh37 (hg19) VCF-style: chr19-1469139-G-A.
Other names: c.5836G>A, p.Ala1946Thr (NM_001351273.1); short protein forms A1946T, A1947T.
Identifiers: ClinVar variation 4696954 (VCV004696954.1).

ClinVar aggregate classification (germline): Uncertain significance (1 of 4 stars; one submission).

Submission:

Labcorp Genetics (formerly Invitae), Labcorp
Classification: Uncertain significance. Last evaluated: 2025-09-17. Review status: criteria provided, single submitter. Criteria: Invitae Variant Classification Sherloc (09022015). Collection method: clinical testing. Allele origin: germline.
Comment: This sequence change replaces alanine, which is neutral and non-polar, with threonine, which is neutral and polar, at codon 1947 of the APC2 protein (p.Ala1947Thr). This variant is not present in population databases (gnomAD no frequency). This variant has not been reported in the literature in individuals affected with APC2-related conditions. Invitae Evidence Modeling of protein sequence and biophysical properties (such as structural, functional, and spatial information, amino acid conservation, physicochemical variation, residue mobility, and thermodynamic stability) indicates that this missense variant is not expected to disrupt APC2 protein function with a negative predictive value of 80%. In summary, the available evidence is currently insufficient to determine the role of this variant in disease. Therefore, it has been classified as a Variant of Uncertain Significance.